The following is an entry in ClinVar:

NM_000166.6(GJB1):c.149C>G (p.Ser50Cys)

Gene: GJB1 (gap junction protein beta 1; plus strand). Cytogenetic location: Xq13.1.
Variant type: single nucleotide variant.
Coding change: c.149C>G on transcript NM_000166.6 (MANE Select); coding-DNA position 149, C replaced by G.
Protein change: p.Ser50Cys; replaces serine 50 with cysteine.
Molecular consequence: missense variant.
Genome position (GRCh38, 1-based): chrX:71,223,856, C>G. VCF-style: chrX-71223856-C-G. GRCh37 (hg19) VCF-style: chrX-70443706-C-G.
Other names: c.149C>G, p.Ser50Cys (NM_001097642.3); short protein forms S50C.
Identifiers: ClinVar variation 995074 (VCV000995074.9), dbSNP rs2092542910, ClinGen allele CA413501143.

ClinVar aggregate classification (germline): Uncertain significance. Review status: criteria provided, multiple submitters, no conflicts (2 of 4 stars). 3 submissions from 3 submitters: Uncertain significance (3). Last evaluated 2026-04-15.

Conditions:
Charcot-Marie-Tooth Neuropathy X. Identifiers: MedGen CN118851.
Inborn genetic diseases. Identifiers: MedGen C0950123, MeSH D030342.

Submissions (3):

Ambry Genetics
Classification: Uncertain significance for Inborn genetic diseases. Last evaluated: 2026-04-15. Review status: criteria provided, single submitter. Criteria: Ambry Variant Classification Scheme 2023. Collection method: clinical testing. Allele origin: germline.
Comment: The c.149C>G (p.S50C) alteration is located in exon 2 (coding exon 1) of the GJB1 gene. This alteration results from a C to G substitution at nucleotide position 149, causing the serine (S) at amino acid position 50 to be replaced by a cysteine (C). This variant was not reported in population-based cohorts in the Genome Aggregation Database (gnomAD). This amino acid position is not well conserved in available vertebrate species. The in silico prediction for this alteration is inconclusive. Based on insufficient or conflicting evidence, the clinical significance of this alteration remains unclear.

Labcorp Genetics (formerly Invitae), Labcorp
Classification: Uncertain significance for Charcot-Marie-Tooth Neuropathy X. Last evaluated: 2021-05-17. Review status: criteria provided, single submitter. Criteria: Invitae Variant Classification Sherloc (09022015). Collection method: clinical testing. Allele origin: germline.
Comment: This variant has been observed in individual(s) with clinical features of Charcot-Marie-Tooth disease (Invitae). ClinVar contains an entry for this variant (Variation ID: 995074). This variant is not present in population databases (ExAC no frequency). This sequence change replaces serine with cysteine at codon 50 of the GJB1 protein (p.Ser50Cys). The serine residue is moderately conserved and there is a moderate physicochemical difference between serine and cysteine. Algorithms developed to predict the effect of missense changes on protein structure and function are either unavailable or do not agree on the potential impact of this missense change (SIFT: "Tolerated"; PolyPhen-2: "Possibly Damaging"; Align-GVGD: "Class C0"). In summary, the available evidence is currently insufficient to determine the role of this variant in disease. Therefore, it has been classified as a Variant of Uncertain Significance. This variant disrupts the p.Ser50 amino acid residue in GJB1. Other variant(s) that disrupt this residue have been observed in individuals with GJB1-related conditions (PMID: 10732813), which suggests that this may be a clinically significant amino acid residue.

Athena Diagnostics
Classification: Uncertain significance. Last evaluated: 2020-06-16. Review status: criteria provided, single submitter. Criteria: Athena Diagnostics Criteria. Collection method: clinical testing. Allele origin: unknown.

Literature cited by the submitters: PubMed 10732813 (cited by Labcorp Genetics (formerly Invitae), Labcorp).